The following is an entry in ClinVar:

NM_001939.3(DRP2):c.2146G>A (p.Asp716Asn)

Gene: DRP2 (dystrophin related protein 2; plus strand). Cytogenetic location: Xq22.1.
Variant type: single nucleotide variant.
Coding change: c.2146G>A on transcript NM_001939.3 (MANE Select); coding-DNA position 2146, G replaced by A.
Protein change: p.Asp716Asn; replaces aspartic acid 716 with asparagine.
Molecular consequence: missense variant.
Genome position (GRCh38, 1-based): chrX:101,254,890, G>A. VCF-style: chrX-101254890-G-A. GRCh37 (hg19) VCF-style: chrX-100509879-G-A.
Other names: c.1912G>A, p.Asp638Asn (NM_001171184.2); short protein forms D716N, D638N.
Identifiers: ClinVar variation 1418517 (VCV001418517.8), dbSNP rs144921515, ClinGen allele CA10472418.

ClinVar aggregate classification (germline): Uncertain significance (1 of 4 stars; one submission).

Allele frequency attached by ClinVar (database versions not stated): gnomAD exomes 0.00001 and 0.00004; gnomAD 0.00002; ExAC 0.00007; ESP Exome Variant Server 0.00019; 1000 Genomes Project 0.00026; 1000 Genomes Project 30x 0.00042.
gnomAD v4.1: 15 of 1,210,063 alleles (0.0012%); highest among the groups gnomAD compares: South Asian, 0.007%; no homozygotes.

Submission:

Labcorp Genetics (formerly Invitae), Labcorp
Classification: Uncertain significance. Last evaluated: 2021-08-27. Review status: criteria provided, single submitter. Criteria: Invitae Variant Classification Sherloc (09022015). Collection method: clinical testing. Allele origin: germline.
Comment: Algorithms developed to predict the effect of missense changes on protein structure and function (SIFT, PolyPhen-2, Align-GVGD) all suggest that this variant is likely to be tolerated. This sequence change replaces aspartic acid with asparagine at codon 716 of the DRP2 protein (p.Asp716Asn). The aspartic acid residue is highly conserved and there is a small physicochemical difference between aspartic acid and asparagine. This variant is present in population databases (rs144921515, ExAC 0.01%). This variant has not been reported in the literature in individuals affected with DRP2-related conditions. In summary, the available evidence is currently insufficient to determine the role of this variant in disease. Therefore, it has been classified as a Variant of Uncertain Significance.